The following is an entry in ClinVar:

ClinVar aggregate classification (germline): Uncertain significance (1 of 4 stars; one submission).

Conditions:
Polycystic liver disease 4 with or without kidney cysts. Identifiers: MedGen C4693479, MONDO:0044327, OMIM 617875.

Submission:

MVZ Medizinische Genetik Mainz
Classification: Uncertain significance for Polycystic liver disease 4 with or without kidney cysts. Last evaluated: 2025-02-21. Review status: criteria provided, single submitter. Criteria: UK Practice Guidelines For Variant Classification V4 01 2020. Collection method: clinical testing. Allele origin: germline. Inheritance: Autosomal dominant inheritance. Affected: yes. Observed: 1 variant allele.
Comment: ACMG Criteria: PP3_MOD,PM2_SUP

NM_002335.4(LRP5):c.1916C>G (p.Thr639Ser)

Gene: LRP5 (LDL receptor related protein 5; plus strand). Cytogenetic location: 11q13.2.
Variant type: single nucleotide variant.
Coding change: c.1916C>G on transcript NM_002335.4 (MANE Select); coding-DNA position 1916, C replaced by G.
Protein change: p.Thr639Ser; replaces threonine 639 with serine.
Molecular consequence: missense variant.
Genome position (GRCh38, 1-based): chr11:68,406,638, C>G. VCF-style: chr11-68406638-C-G. GRCh37 (hg19) VCF-style: chr11-68174106-C-G.
Other names: c.173C>G, p.Thr58Ser (NM_001291902.2); short protein forms T58S, T639S.
Identifiers: ClinVar variation 3774558 (VCV003774558.1).
Genomic context (GRCh38, chr11:68,406,638, plus strand): 5'-CACCCCACGCAACCCGGTGTGGCTGCCCCATCGGCCTGGAGCTGCTGAGTGACATGAAGA[C>G]CTGCATCGTGCCTGAGGCCTTCTTGGTCTTCACCAGCAGAGCCGCCATCCACAGGATCTC-3'
Protein context (NP_002326.2, residues 629-649): IGLELLSDMK[Thr639Ser]CIVPEAFLVF